The following is an entry in ClinVar:

NM_000179.3(MSH6):c.256A>C (p.Thr86Pro)

Genes: MSH6 (mutS homolog 6; plus strand), LOC129933707 (ATAC-STARR-seq lymphoblastoid silent region 11468; plus strand). Cytogenetic location: 2p16.3.
Variant type: single nucleotide variant.
Coding change: c.256A>C on transcript NM_000179.3 (MANE Select); coding-DNA position 256, A replaced by C.
Protein change: p.Thr86Pro; replaces threonine 86 with proline.
Molecular consequence: missense variant. On other transcripts: 5 prime UTR variant (1), intron variant (1).
Genome position (GRCh38, 1-based): chr2:47,783,489, A>C. VCF-style: chr2-47783489-A-C. GRCh37 (hg19) VCF-style: chr2-48010628-A-C.
Other names: c.-481A>C (NM_001281493.2); c.237+19A>C (NM_001281492.2); short protein forms T86P.
Identifiers: ClinVar variation 619699 (VCV000619699.4), dbSNP rs1553408451, ClinGen allele CA346735165.

ClinVar aggregate classification (germline): Uncertain significance. Review status: criteria provided, multiple submitters, no conflicts (2 of 4 stars). 2 submissions from 2 submitters: Uncertain significance (2). Last evaluated 2024-01-29.

Conditions:
Hereditary cancer-predisposing syndrome. Also called: Neoplastic Syndromes, Hereditary; Hereditary neoplastic syndrome; Tumor predisposition; Hereditary Cancer Syndrome. Identifiers: Orphanet 140162, MedGen C0027672, MeSH D009386, MONDO:0015356.

Allele frequency attached by ClinVar (database versions not stated): gnomAD exomes below 0.00001.
gnomAD v4.1: 2 of 1,423,614 alleles (0.00014%); highest among the groups gnomAD compares: Non-Finnish European, 0.00018%; no homozygotes.

Submissions (2):

Ambry Genetics
Classification: Uncertain significance for Hereditary cancer-predisposing syndrome. Last evaluated: 2024-01-29. Review status: criteria provided, single submitter. Criteria: Ambry Variant Classification Scheme 2023. Collection method: clinical testing. Allele origin: germline.
Comment: The p.T86P variant (also known as c.256A>C), located in coding exon 1 of the MSH6 gene, results from an A to C substitution at nucleotide position 256. The threonine at codon 86 is replaced by proline, an amino acid with highly similar properties. This amino acid position is conserved. In addition, this alteration is predicted to be tolerated by in silico analysis. Since supporting evidence is limited at this time, the clinical significance of this alteration remains unclear.

Quest Diagnostics Nichols Institute San Juan Capistrano
Classification: Uncertain significance. Last evaluated: 2017-09-14. Review status: criteria provided, single submitter. Criteria: Quest Diagnostics criteria. Collection method: clinical testing. Allele origin: germline.